The following is an entry in ClinVar:

ClinVar aggregate classification (germline): Uncertain significance. Review status: criteria provided, multiple submitters, no conflicts (2 of 4 stars). 2 submissions from 2 submitters: Uncertain significance (2). Last evaluated 2026-06-03.

Conditions:
SMPD1-related disorder. Also called: SMPD1-related condition.
Sphingomyelin/cholesterol lipidosis. Also called: Niemann-Pick disease. Identifiers: MedGen C0028064, MONDO:0001982.

Allele frequency attached by ClinVar (database versions not stated): ExAC 0.00001; gnomAD 0.00003; TOPMed 0.00003.

Submissions (2):

PreventionGenetics, part of Exact Sciences
Classification: Uncertain significance for SMPD1-related condition. Last evaluated: 2026-06-03. Review status: criteria provided, single submitter. Criteria: ACMG Guidelines, 2015. Collection method: clinical testing. Allele origin: germline.
Comment: The SMPD1 c.1586C>T variant is predicted to result in the amino acid substitution p.Pro529Leu. To our knowledge, this variant has not been reported in the literature. This variant is reported in 0.0062% of alleles in individuals of African descent in gnomAD. At this time, the clinical significance of this variant is uncertain due to the absence of conclusive functional and genetic evidence.

Dasa
Classification: Uncertain significance for Niemann-Pick disease. Last evaluated: 2025-11-25. Review status: criteria provided, single submitter. Criteria: DASA Assertion Criteria. Collection method: clinical testing. Allele origin: germline.
Comment: NM_000543.5(SMPD1):c.1586C>T (p.Pro529Leu) is a missense variant that results in the substitution of proline with leucine. This variant is rare in population databases. The currently available literature and clinical evidence are not sufficient to establish a definitive association between this variant and the reported condition. Therefore, this variant is classified as a variant of uncertain significance.

NM_000543.5(SMPD1):c.1586C>T (p.Pro529Leu)

Gene: SMPD1 (sphingomyelin phosphodiesterase 1; plus strand). Cytogenetic location: 11p15.4.
Variant type: single nucleotide variant.
Coding change: c.1586C>T on transcript NM_000543.5 (MANE Select); coding-DNA position 1586, C replaced by T.
Protein change: p.Pro529Leu; replaces proline 529 with leucine.
Molecular consequence: missense variant. On other transcripts: 3 prime UTR variant (1), non-coding transcript variant (2).
Genome position (GRCh38, 1-based): chr11:6,394,297, C>T. VCF-style: chr11-6394297-C-T. GRCh37 (hg19) VCF-style: chr11-6415527-C-T.
Other names: c.1583C>T, p.Pro528Leu (NM_001007593.3); c.*79C>T (NM_001318087.2); c.665C>T, p.Pro222Leu (NM_001318088.2); c.1454C>T, p.Pro485Leu (NM_001365135.2); short protein forms P222L, P485L, P528L, P529L.
Identifiers: ClinVar variation 3029176 (VCV003029176.5), dbSNP rs772417462, ClinGen allele CA5852940.